The following is an entry in ClinVar:

NM_004500.4(HNRNPC):c.366-2A>C

Gene: HNRNPC (heterogeneous nuclear ribonucleoprotein C; minus strand). Cytogenetic location: 14q11.2.
Variant type: single nucleotide variant.
Coding change: c.366-2A>C on transcript NM_004500.4 (MANE Select); the canonical splice acceptor site of the intron before coding-DNA position 366, A replaced by C.
Molecular consequence: splice acceptor variant.
Genome position (GRCh38, 1-based): chr14:21,213,119, T>G on the plus strand (A>C on the coding strand, the complement: HNRNPC is on the minus strand). VCF-style: chr14-21213119-T-G. GRCh37 (hg19) VCF-style: chr14-21681278-T-G.
Other names: c.366-2A>C (NM_001077443.2); c.405-2A>C (NM_001077442.2, NM_031314.3).
Identifiers: ClinVar variation 5018307 (VCV005018307.1).

ClinVar aggregate classification (germline): Uncertain significance (1 of 4 stars; one submission).

Submission:

GeneDx
Classification: Uncertain significance. Last evaluated: 2026-04-07. Review status: criteria provided, single submitter. Criteria: GeneDx Variant Classification Process June 2021. Collection method: clinical testing. Allele origin: germline.
Comment: Not observed at significant frequency in large population cohorts (gnomAD); Canonical splice site variant in a gene or region of a gene for which loss of function is not a well-established mechanism of disease; Has not been previously published as pathogenic or benign to our knowledge